The following is an entry in ClinVar:

NM_001267550.2(TTN):c.46838T>C (p.Ile15613Thr)

Genes: TTN (titin; minus strand), TTN-AS1 (TTN antisense RNA 1; plus strand). Cytogenetic location: 2q31.2.
Variant type: single nucleotide variant.
Coding change: c.46838T>C on transcript NM_001267550.2 (MANE Select); coding-DNA position 46838, T replaced by C.
Protein change: p.Ile15613Thr; replaces isoleucine 15613 with threonine.
Molecular consequence: missense variant.
Genome position (GRCh38, 1-based): chr2:178,618,712, A>G on the plus strand (T>C on the coding strand, the complement: TTN is on the minus strand). VCF-style: chr2-178618712-A-G. GRCh37 (hg19) VCF-style: chr2-179483439-A-G.
Other names: c.41915T>C, p.Ile13972Thr (NM_001256850.1); c.19643T>C, p.Ile6548Thr (NM_003319.4); c.39134T>C, p.Ile13045Thr (NM_133378.4); c.20018T>C, p.Ile6673Thr (NM_133432.3); c.20219T>C, p.Ile6740Thr (NM_133437.4); short protein forms I6740T, I13972T, I15613T, I6548T, I6673T, I13045T.
Identifiers: ClinVar variation 5009270 (VCV005009270.1).

ClinVar aggregate classification (germline): Uncertain significance (1 of 4 stars; one submission).

gnomAD v4.1: 2 of 1,612,004 alleles (0.00012%); highest among the groups gnomAD compares: East Asian, 0.0022%; no homozygotes.

Submission:

GeneDx
Classification: Uncertain significance. Last evaluated: 2026-03-17. Review status: criteria provided, single submitter. Criteria: GeneDx Variant Classification Process June 2021. Collection method: clinical testing. Allele origin: germline.
Comment: Not observed at significant frequency in large population cohorts (gnomAD); Missense variant in a gene in which most reported pathogenic variants are truncating/loss of function; Has not been previously published as pathogenic or benign to our knowledge